The following is an entry in ClinVar:

NM_000069.3(CACNA1S):c.1511T>G (p.Val504Gly)

Gene: CACNA1S (calcium voltage-gated channel subunit alpha1 S; minus strand). Cytogenetic location: 1q32.1.
Variant type: single nucleotide variant.
Coding change: c.1511T>G on transcript NM_000069.3 (MANE Select); coding-DNA position 1511, T replaced by G.
Protein change: p.Val504Gly; replaces valine 504 with glycine.
Molecular consequence: missense variant.
Genome position (GRCh38, 1-based): chr1:201,077,987, A>C on the plus strand (T>G on the coding strand, the complement: CACNA1S is on the minus strand). VCF-style: chr1-201077987-A-C. GRCh37 (hg19) VCF-style: chr1-201047115-A-C.
Other names: c.1511T>G (NM_000069.2); short protein forms V504G.
Identifiers: ClinVar variation 2058785 (VCV002058785.7), dbSNP rs1347681040, ClinGen allele CA344121828.

ClinVar aggregate classification (germline): Uncertain significance. Review status: criteria provided, multiple submitters, no conflicts (2 of 4 stars). 4 submissions from 4 submitters: Uncertain significance (4). Last evaluated 2025-08-18.

Conditions:
Hypokalemic periodic paralysis, type 1. Also called: HypoPP; Hypokalemic Periodic Paralysis Type 1 (AD). Identifiers: Orphanet 681, MedGen C3714580, MONDO:0042979, OMIM 170400.
Malignant hyperthermia, susceptibility to, 5 (MHS5). Also called: CACNA1S-Related Malignant Hyperthermia Susceptibility. Identifiers: Orphanet 423, MedGen C1866077, MONDO:0011163, OMIM 601887.
Inborn genetic diseases. Identifiers: MedGen C0950123, MeSH D030342.
Thyrotoxic periodic paralysis, susceptibility to, 1 (TTPP1). Identifiers: Orphanet 79102, MedGen C2749982, MONDO:0008570, OMIM 188580.
Congenital myopathy 18. Also called: DIHYDROPYRIDINE RECEPTOR CONGENITAL MYOPATHY; DHPR CONGENITAL MYOPATHY; Myopathy, congenital, due to dihydropyridine receptor defect. Identifiers: MedGen C5830283, MONDO:0859514, OMIM 620246.
Congenital myopathy. Identifiers: Orphanet 97245, MedGen C0270960, MONDO:0019952.

Allele frequency attached by ClinVar (database versions not stated): TOPMed below 0.00001; gnomAD 0.00001; gnomAD exomes 0.00001.
gnomAD v4.1: 15 of 1,614,026 alleles (0.00093%); highest among the groups gnomAD compares: Non-Finnish European, 0.0013%; no homozygotes.

Submissions (4):

Labcorp Genetics (formerly Invitae), Labcorp
Classification: Uncertain significance for Hypokalemic periodic paralysis, type 1; Malignant hyperthermia, susceptibility to, 5. Last evaluated: 2025-08-18. Review status: criteria provided, single submitter. Criteria: Invitae Variant Classification Sherloc (09022015). Collection method: clinical testing. Allele origin: germline.
Comment: This sequence change replaces valine, which is neutral and non-polar, with glycine, which is neutral and non-polar, at codon 504 of the CACNA1S protein (p.Val504Gly). This variant is present in population databases (no rsID available, gnomAD 0.0009%). This variant has not been reported in the literature in individuals affected with CACNA1S-related conditions. ClinVar contains an entry for this variant (Variation ID: 2058785). Invitae Evidence Modeling of protein sequence and biophysical properties (such as structural, functional, and spatial information, amino acid conservation, physicochemical variation, residue mobility, and thermodynamic stability) has been performed for this missense variant. However, the output from this modeling did not meet the statistical confidence thresholds required to predict the impact of this variant on CACNA1S protein function. In summary, the available evidence is currently insufficient to determine the role of this variant in disease. Therefore, it has been classified as a Variant of Uncertain Significance.

Ambry Genetics
Classification: Uncertain significance for Inborn genetic diseases. Last evaluated: 2025-08-08. Review status: criteria provided, single submitter. Criteria: Ambry Variant Classification Scheme 2023. Collection method: clinical testing. Allele origin: germline.

Fulgent Genetics
Classification: Uncertain significance for Hypokalemic periodic paralysis, type 1; Thyrotoxic periodic paralysis, susceptibility to, 1; Malignant hyperthermia, susceptibility to, 5; Congenital myopathy 18. Last evaluated: 2024-06-15. Review status: criteria provided, single submitter. Criteria: ACMG Guidelines, 2015. Collection method: clinical testing. Allele origin: germline.

Color Diagnostics, LLC DBA Color Health
Classification: Uncertain significance for Malignant hyperthermia, susceptibility to, 5. Last evaluated: 2024-05-07. Review status: criteria provided, single submitter. Criteria: ACMG Guidelines, 2015. Collection method: clinical testing. Allele origin: germline.
Comment: This missense variant replaces valine with glycine at codon 504 of the CACNA1S protein. Computational prediction suggests that this variant may have deleterious impact on protein structure and function. To our knowledge, functional studies have not been reported for this variant. This variant has not been reported in individuals affected with CACNA1S-related disorders in the literature. This variant has been identified in 1/251484 chromosomes in the general population by the Genome Aggregation Database (gnomAD). The available evidence is insufficient to determine the role of this variant in disease conclusively. Therefore, this variant is classified as a Variant of Uncertain Significance.